The following is an entry in ClinVar:

ClinVar aggregate classification (germline): Uncertain significance (1 of 4 stars; one submission).

Conditions:
Hereditary cancer-predisposing syndrome. Also called: Neoplastic Syndromes, Hereditary; Tumor predisposition; Hereditary Cancer Syndrome; Hereditary neoplastic syndrome. Identifiers: Orphanet 140162, MedGen C0027672, MeSH D009386, MONDO:0015356.

gnomAD v4.1: 1 of 1,613,710 alleles (0.000062%); highest among the groups gnomAD compares: Non-Finnish European, 0.000085%; no homozygotes.

Submission:

Ambry Genetics
Classification: Uncertain significance for Hereditary cancer-predisposing syndrome. Last evaluated: 2026-01-23. Review status: criteria provided, single submitter. Criteria: Ambry Variant Classification Scheme 2023. Collection method: clinical testing. Allele origin: germline.
Comment: The p.P880L variant (also known as c.2639C>T), located in coding exon 15 of the DICER1 gene, results from a C to T substitution at nucleotide position 2639. The proline at codon 880 is replaced by leucine, an amino acid with similar properties. This amino acid position is conserved. In addition, this alteration is predicted to be deleterious by in silico analysis. Based on the available evidence, the clinical significance of this variant remains unclear.

NM_177438.3(DICER1):c.2639C>T (p.Pro880Leu)

Gene: DICER1 (dicer 1, ribonuclease III; minus strand). Cytogenetic location: 14q32.13.
Variant type: single nucleotide variant.
Coding change: c.2639C>T on transcript NM_177438.3 (MANE Select); coding-DNA position 2639, C replaced by T.
Protein change: p.Pro880Leu; replaces proline 880 with leucine.
Molecular consequence: missense variant. On other transcripts: non-coding transcript variant (6).
Genome position (GRCh38, 1-based): chr14:95,107,891, G>A on the plus strand (C>T on the coding strand, the complement: DICER1 is on the minus strand). VCF-style: chr14-95107891-G-A. GRCh37 (hg19) VCF-style: chr14-95574228-G-A.
Other names: c.2639C>T, p.Pro880Leu (NM_001195573.1, NM_001271282.3, NM_001291628.2 and 12 more transcripts); c.2357C>T, p.Pro786Leu (NM_001395686.1); c.2234C>T, p.Pro745Leu (NM_001395687.1, NM_001395688.1, NM_001395689.1 and 2 more transcripts); c.2072C>T, p.Pro691Leu (NM_001395691.1); c.956C>T, p.Pro319Leu (NM_001395697.1); short protein forms P786L, P880L, P319L, P691L, P745L.
Identifiers: ClinVar variation 4240552 (VCV004240552.2).